The following is an entry in ClinVar:

NM_198994.3(TGM6):c.1576C>T (p.Arg526Trp)

Gene: TGM6 (transglutaminase 6; plus strand). Cytogenetic location: 20p13.
Variant type: single nucleotide variant.
Coding change: c.1576C>T on transcript NM_198994.3 (MANE Select); coding-DNA position 1576, C replaced by T.
Protein change: p.Arg526Trp; replaces arginine 526 with tryptophan.
Molecular consequence: missense variant.
Genome position (GRCh38, 1-based): chr20:2,417,471, C>T. VCF-style: chr20-2417471-C-T. GRCh37 (hg19) VCF-style: chr20-2398117-C-T.
Other names: c.1576C>T, p.Arg526Trp (NM_001254734.2); short protein forms R526W.
Identifiers: ClinVar variation 2116992 (VCV002116992.4), dbSNP rs1275709205, ClinGen allele CA408015384.

ClinVar aggregate classification (germline): Uncertain significance (1 of 4 stars; one submission).

Allele frequency attached by ClinVar (database versions not stated): gnomAD 0.00001; TOPMed 0.00001.
gnomAD v4.1: 7 of 1,610,130 alleles (0.00043%); highest among the groups gnomAD compares: Non-Finnish European, 0.00042%; no homozygotes.

Submission:

Labcorp Genetics (formerly Invitae), Labcorp
Classification: Uncertain significance. Last evaluated: 2022-08-08. Review status: criteria provided, single submitter. Criteria: Invitae Variant Classification Sherloc (09022015). Collection method: clinical testing. Allele origin: germline.
Comment: This sequence change replaces arginine, which is basic and polar, with tryptophan, which is neutral and slightly polar, at codon 526 of the TGM6 protein (p.Arg526Trp). The frequency data for this variant in the population databases is considered unreliable, as metrics indicate poor data quality at this position in the gnomAD database. This variant has not been reported in the literature in individuals affected with TGM6-related conditions. Advanced modeling of protein sequence and biophysical properties (such as structural, functional, and spatial information, amino acid conservation, physicochemical variation, residue mobility, and thermodynamic stability) performed at Invitae indicates that this missense variant is not expected to disrupt TGM6 protein function. In summary, the available evidence is currently insufficient to determine the role of this variant in disease. Therefore, it has been classified as a Variant of Uncertain Significance.